The following is an entry in ClinVar:

NM_017514.5(PLXNA3):c.3848A>G (p.Asn1283Ser)

Gene: PLXNA3 (plexin A3; plus strand). Cytogenetic location: Xq28.
Variant type: single nucleotide variant.
Coding change: c.3848A>G on transcript NM_017514.5 (MANE Select); coding-DNA position 3848, A replaced by G.
Protein change: p.Asn1283Ser; replaces asparagine 1283 with serine.
Molecular consequence: missense variant.
Genome position (GRCh38, 1-based): chrX:154,468,109, A>G. VCF-style: chrX-154468109-A-G. GRCh37 (hg19) VCF-style: chrX-153696452-A-G.
Other names: short protein forms N1283S.
Identifiers: ClinVar variation 4978459 (VCV004978459.1).
Genomic context (GRCh38, chrX:154,468,109, plus strand): 5'-CCTGCCCACTCATTCCCTCTCTCCACCCCCCAGCTTTTGCAGAGCTGCAGACGGACATCA[A>G]TGAGCTGACTAACCACATGGACGAGGTGCAGATCCCCTTCCTGGACTACCGGACTTACGC-3'
Protein context (NP_059984.3, residues 1273-1293): EAFAELQTDI[Asn1283Ser]ELTNHMDEVQ

ClinVar aggregate classification (germline): Uncertain significance (1 of 4 stars; one submission).

Conditions:
PLXNA3-related disorder. Also called: PLXNA3-related condition.

gnomAD v4.1: 18 of 1,191,372 alleles (0.0015%); highest among the groups gnomAD compares: South Asian, 0.013%; no homozygotes.

Submission:

PreventionGenetics, part of Exact Sciences
Classification: Uncertain significance for PLXNA3-related condition. Last evaluated: 2025-02-07. Review status: criteria provided, single submitter. Criteria: ACMG Guidelines, 2015. Collection method: clinical testing. Allele origin: germline.
Comment: The PLXNA3 c.3848A>G variant is predicted to result in the amino acid substitution p.Asn1283Ser. To our knowledge, this variant has not been reported in the literature. This variant is reported in 0.020% of alleles in individuals of South Asian descent in gnomAD. Although we suspect that this variant may be benign, at this time, the clinical significance of this variant is uncertain due to the absence of conclusive functional and genetic evidence.